The following is an entry in ClinVar:

NM_002556.3(OSBP):c.396T>C (p.Gly132=)

Gene: OSBP (oxysterol binding protein; minus strand). Cytogenetic location: 11q12.1.
Variant type: single nucleotide variant.
Coding change: c.396T>C on transcript NM_002556.3 (MANE Select); coding-DNA position 396, T replaced by C.
Protein change: p.Gly132=; no amino-acid change (glycine 132 retained).
Molecular consequence: synonymous variant.
Genome position (GRCh38, 1-based): chr11:59,610,556, A>G on the plus strand (T>C on the coding strand, the complement: OSBP is on the minus strand). VCF-style: chr11-59610556-A-G. GRCh37 (hg19) VCF-style: chr11-59378029-A-G.
Identifiers: ClinVar variation 3052491 (VCV003052491.2), dbSNP rs760664727, ClinGen allele CA6019832.
Genomic context (GRCh38, chr11:59,610,556, plus strand): 5'-GGAAATGATGAAGTTGCAGGAGTCCTCCACGGTGATGTTGGCTGTGGCGAGGTTGATGGT[A>G]CCACGGCAGGTATGTCTCATTTCTGCCTTTGATCTGTAATAACAAGACAAAGACAATTTA-3'
Protein context (NP_002547.1, residues 122-142): SKAEMRHTCR[Gly132=]TINLATANIT

ClinVar aggregate classification (germline): Likely benign (0 of 4 stars; one submission).

Conditions:
OSBP-related disorder. Also called: OSBP-related condition.

Allele frequency attached by ClinVar (database versions not stated): gnomAD 0.00001; ExAC 0.00002; TOPMed 0.00002.
gnomAD v4.1: 9 of 1,614,058 alleles (0.00056%); highest among the groups gnomAD compares: Admixed American, 0.013%; no homozygotes.

Submission:

PreventionGenetics, part of Exact Sciences
Classification: Likely benign for OSBP-related condition. Last evaluated: 2019-08-14. Review status: no assertion criteria provided. Collection method: clinical testing. Allele origin: germline.
Comment: This variant is classified as likely benign based on ACMG/AMP sequence variant interpretation guidelines (Richards et al. 2015 PMID: 25741868, with internal and published modifications).